The following is an entry in ClinVar:

NM_000179.3(MSH6):c.1405_1406insTGA (p.Tyr469delinsLeuAsn)

Gene: MSH6 (mutS homolog 6; plus strand). Cytogenetic location: 2p16.3.
Variant type: Insertion.
Coding change: c.1405_1406insTGA on transcript NM_000179.3 (MANE Select); coding-DNA positions 1405 to 1406, TGA inserted.
Protein change: p.Tyr469delinsLeuAsn.
Molecular consequence: inframe indel. On other transcripts: non-coding transcript variant (4), intron variant (1).
Genome position: GRCh38 VCF-style: chr2-47799388-T-TTGA. GRCh37 (hg19) VCF-style: chr2-48026527-T-TTGA.
Other names: c.1015_1016insTGA, p.Tyr339delinsLeuAsn (NM_001281492.2); c.499_500insTGA, p.Tyr167delinsLeuAsn (NM_001281493.2, NM_001281494.2, NM_001406811.1 and 6 more transcripts); c.1501_1502insTGA, p.Tyr501delinsLeuAsn (NM_001406795.1, NM_001406802.1); c.1405_1406insTGA, p.Tyr469delinsLeuAsn (NM_001406796.1, NM_001406798.1, NM_001406800.1 and 4 more transcripts); c.1108_1109insTGA, p.Tyr370delinsLeuAsn (NM_001406797.1, NM_001406801.1, NM_001406805.1 and 10 more transcripts); c.880_881insTGA, p.Tyr294delinsLeuAsn (NM_001406799.1, NM_001406806.1, NM_001406807.1); c.1327_1328insTGA, p.Tyr443delinsLeuAsn (NM_001406804.1); c.1411_1412insTGA, p.Tyr471delinsLeuAsn (NM_001406813.1); and 2 more.
Identifiers: ClinVar variation 3230498 (VCV003230498.1), dbSNP rs2530607663, ClinGen allele CA2825001116.
Genomic context (GRCh38, chr2:47,799,388, plus strand): 5'-CTGGTATTCATGAAAGGCAACTGGGCCCATTCTGGCTTTCCTGAAATTGCATTTGGCCGT[T>TTGA]ATTCAGATTCCCTGGTGCAGAAGGGCTATAAAGTAGCACGAGTGGAACAGACTGAGACTC-3'

ClinVar aggregate classification (germline): Uncertain significance (1 of 4 stars; one submission).

Conditions:
Hereditary cancer-predisposing syndrome. Also called: Neoplastic Syndromes, Hereditary; Tumor predisposition; Hereditary neoplastic syndrome; Hereditary Cancer Syndrome. Identifiers: Orphanet 140162, MedGen C0027672, MeSH D009386, MONDO:0015356.

Submission:

Ambry Genetics
Classification: Uncertain significance for Hereditary cancer-predisposing syndrome. Last evaluated: 2024-02-15. Review status: criteria provided, single submitter. Criteria: Ambry Variant Classification Scheme 2023. Collection method: clinical testing. Allele origin: germline.
Comment: The c.1405_1406insTGA variant (also known as p.Y469delinsLN), located in coding exon 4 of the MSH6 gene, results from an in-frame TGA insertion at nucleotide positions 1405 to 1406. This results in the in-frame deletion of a single amino acid (Y) and the insertion of 2 new amino acids (LN) at codon 469. This amino acid position is not well conserved in available vertebrate species. In addition, this alteration is predicted to be deleterious by in silico analysis (Choi Y et al. PLoS ONE. 2012; 7(10):e46688). Based on the available evidence, the clinical significance of this alteration remains unclear.